The following is an entry in ClinVar:

ClinVar aggregate classification (germline): Pathogenic. Review status: criteria provided, multiple submitters, no conflicts (2 of 4 stars). 6 submissions from 5 submitters: Pathogenic (4). 2 of the submissions do not count toward it. Last evaluated 2026-01-25.

Conditions:
COQ4-related disorder. Also called: COQ4-related condition.
Spastic ataxia 10, autosomal recessive (SPAX10). Identifiers: MedGen C5882738, MONDO:0958009, OMIM 620666.
Neonatal encephalomyopathy-cardiomyopathy-respiratory distress syndrome. Also called: Coenzyme Q10 deficiency, primary, 7. Identifiers: Orphanet 457185, MedGen C5568562, MONDO:0014562, OMIM 616276.

Allele frequency attached by ClinVar (database versions not stated): gnomAD 0.00003; TOPMed 0.00003.
gnomAD v4.1: 27 of 1,614,054 alleles (0.0017%); highest among the groups gnomAD compares: East Asian, 0.049%; no homozygotes.

Submissions (6):

Labcorp Genetics (formerly Invitae), Labcorp
Classification: Pathogenic for Neonatal encephalomyopathy-cardiomyopathy-respiratory distress syndrome. Last evaluated: 2026-01-25. Review status: criteria provided, single submitter. Criteria: Invitae Variant Classification Sherloc (09022015). Collection method: clinical testing. Allele origin: germline.
Comment: This sequence change replaces glycine, which is neutral and non-polar, with serine, which is neutral and polar, at codon 124 of the COQ4 protein (p.Gly124Ser). This variant is present in population databases (rs776825296, gnomAD 0.2%). This missense change has been observed in individual(s) with clinical features of coenzyme Q10 deficiency (PMID: 30659264). In at least one individual the data is consistent with being in trans (on the opposite chromosome) from a pathogenic variant. It has also been observed to segregate with disease in related individuals. ClinVar contains an entry for this variant (Variation ID: 476179). Invitae Evidence Modeling of protein sequence and biophysical properties (such as structural, functional, and spatial information, amino acid conservation, physicochemical variation, residue mobility, and thermodynamic stability) has been performed for this missense variant. However, the output from this modeling did not meet the statistical confidence thresholds required to predict the impact of this variant on COQ4 protein function. Experimental studies have shown that this missense change affects COQ4 function (PMID: 30659264). For these reasons, this variant has been classified as Pathogenic.

PreventionGenetics, part of Exact Sciences
Classification: Pathogenic for COQ4-related condition. Last evaluated: 2025-10-15. Review status: criteria provided, single submitter. Criteria: ACMG Guidelines, 2015. Collection method: clinical testing. Allele origin: germline.
Comment: The COQ4 c.370G>A variant is predicted to result in the amino acid substitution p.Gly124Ser. This variant has been proposed as founder variant in the southern Chinese population (Yu et al. 2019. PubMed ID: 31396399) and has been reported in the homozygous and compound heterozygous state in many individuals with coenzyme Q10 deficiency (Lu et al. 2019. PubMed ID: 30659264; Ling et al. 2019. PubMed ID: 31325447; Yu et al. 2019. PubMed ID: 31396399; Tsang et al. 2020. PubMed ID: 32907636; Chen et al. 2020. PubMed ID: 33120466; Laugwitz et al. 2021. PubMed ID: 34656997; Supplementary Table 1, Wu et al. 2022. PubMed ID: 35598585). This variant has also been reported in the compound heterozygous state in individuals with hereditary spastic paraplegia (Lin et al. 2023. PubMed ID: 38014483). In vitro biochemical studies of patient-derived fibroblasts homozygous for this variant demonstrated a reduction in in coenzyme Q10 levels and activity of mitochondrial respiratory chain complexes II and III (Lu et al. 2019. PubMed ID: 30659264). This variant is reported in 0.15% of alleles in individuals of East Asian descent in gnomAD. This variant is interpreted as pathogenic.

3billion
Classification: Pathogenic for Neonatal encephalomyopathy-cardiomyopathy-respiratory distress syndrome. Last evaluated: 2024-07-09. Review status: criteria provided, single submitter. Criteria: ACMG Guidelines, 2015. Collection method: clinical testing. Allele origin: germline. Affected: yes.
Comment: The variant is observed at an extremely low frequency in the gnomAD v4.0.0 dataset (total allele frequency: 0.002%). Predicted Consequence/Location: Missense variant Functional studies provide moderate evidence of the variant having a damaging effect on the gene or gene product (PMID: 30659264). In silico tool predictions suggest damaging effect of the variant on gene or gene product [REVEL: 0.82 (>=0.6, sensitivity 0.68 and specificity 0.92)]. The same nucleotide change resulting in the same amino acid change has been previously reported as pathogenic/likely pathogenic with strong evidence (ClinVar ID: VCV000476179 /PMID: 30659264). The variant has been reported to be in trans with a pathogenic variant as either compound heterozygous or homozygous in at least one similarly affected unrelated individual (PMID: 30659264). A different missense change at the same codon (p.Gly124Val) has been reported to be associated with COQ4 related disorder (ClinVar ID: VCV000638639 /PMID: 31325447). Therefore, this variant is classified as Pathogenic according to the recommendation of ACMG/AMP guideline.

Baylor Genetics
Classification: Pathogenic for Neonatal encephalomyopathy-cardiomyopathy-respiratory distress syndrome. Last evaluated: 2020-09-02. Review status: criteria provided, single submitter. Criteria: ACMG Guidelines, 2015. Collection method: clinical testing. Allele origin: unknown. Affected: yes.
Comment: This variant was determined to be pathogenic according to ACMG Guidelines, 2015 [PMID:25741868].

OMIM
Classification: Pathogenic for SPASTIC ATAXIA 10, AUTOSOMAL RECESSIVE. Last evaluated: 2024-02-15. Review status: no assertion criteria provided. Collection method: literature only. Allele origin: germline. Not counted in ClinVar's aggregate classification.

OMIM
Classification: Pathogenic for COENZYME Q10 DEFICIENCY, PRIMARY, 7. Last evaluated: 2024-02-15. Review status: no assertion criteria provided. Collection method: literature only. Allele origin: germline. Not counted in ClinVar's aggregate classification.

Literature cited by the submitters: PubMed 30659264 (cited by 3 submitters); PubMed 31325447 (cited by 3billion); PubMed 38014483 (cited by OMIM); PubMed 31396399 (cited by OMIM).

NM_016035.5(COQ4):c.370G>A (p.Gly124Ser)

Gene: COQ4 (coenzyme Q4; plus strand). Cytogenetic location: 9q34.11.
Variant type: single nucleotide variant.
Coding change: c.370G>A on transcript NM_016035.5 (MANE Select); coding-DNA position 370, G replaced by A.
Protein change: p.Gly124Ser; replaces glycine 124 with serine.
Molecular consequence: missense variant. On other transcripts: synonymous variant (1).
Genome position (GRCh38, 1-based): chr9:128,325,849, G>A. VCF-style: chr9-128325849-G-A. GRCh37 (hg19) VCF-style: chr9-131088128-G-A.
Other names: c.273G>A, p.Ser91= (NM_001305942.2); short protein forms G124S.
Identifiers: ClinVar variation 476179 (VCV000476179.18), dbSNP rs776825296, ClinGen allele CA5260532.